The following is an entry in ClinVar:

NM_002658.6(PLAU):c.1222G>A (p.Val408Ile)

Genes: C10orf55 (chromosome 10 putative open reading frame 55; minus strand), PLAU (plasminogen activator, urokinase; plus strand). Cytogenetic location: 10q22.2.
Variant type: single nucleotide variant.
Coding change: c.1222G>A on transcript NM_002658.6 (MANE Select); coding-DNA position 1222, G replaced by A.
Protein change: p.Val408Ile; replaces valine 408 with isoleucine.
Molecular consequence: missense variant.
Genome position (GRCh38, 1-based): chr10:73,916,491, G>A. VCF-style: chr10-73916491-G-A. GRCh37 (hg19) VCF-style: chr10-75676249-G-A.
Other names: c.1171G>A, p.Val391Ile (NM_001145031.3); c.964G>A, p.Val322Ile (NM_001319191.2); short protein forms V391I, V408I, V322I.
Identifiers: ClinVar variation 300761 (VCV000300761.5), dbSNP rs200165551, ClinGen allele CA5562666.

ClinVar aggregate classification (germline): Benign (1 of 4 stars; one submission).

Conditions:
Quebec platelet disorder (QPD). Also called: FACTOR V QUEBEC; BLEEDING DISORDER, PLATELET-TYPE, 5. Identifiers: Orphanet 220436, MedGen C1866423, MONDO:0011136, OMIM 601709.

Allele frequency attached by ClinVar (database versions not stated): 1000 Genomes Project 30x 0.00016; TOPMed 0.00019; 1000 Genomes Project 0.00020; gnomAD exomes 0.00029 and 0.00033; ExAC 0.00031; gnomAD 0.00031.
gnomAD v4.1: 462 of 1,613,886 alleles (0.029%); highest among the groups gnomAD compares: Admixed American, 0.047%; no homozygotes.

Submission:

Illumina Laboratory Services, Illumina
Classification: Benign for Quebec platelet disorder. Last evaluated: 2018-01-12. Review status: criteria provided, single submitter. Criteria: ICSL Variant Classification Criteria 13 December 2019. Collection method: clinical testing. Allele origin: germline.
Comment: This variant was observed in the ICSL laboratory as part of a predisposition screen in an ostensibly healthy population. It had not been previously curated by ICSL or reported in the Human Gene Mutation Database (HGMD: prior to June 1st, 2018), and was therefore a candidate for classification through an automated scoring system. Utilizing variant allele frequency, disease prevalence and penetrance estimates, and inheritance mode, an automated score was calculated to assess if this variant is too frequent to cause the disease. Based on the score and internal cut-off values, a variant classified as benign is not then subjected to further curation. The score for this variant resulted in a classification of benign for this disease.